The following is an entry in ClinVar:

ClinVar aggregate classification (germline): Pathogenic (1 of 4 stars; one submission).

Submission:

Labcorp Genetics (formerly Invitae), Labcorp
Classification: Pathogenic. Last evaluated: 2024-08-22. Review status: criteria provided, single submitter. Criteria: Invitae Variant Classification Sherloc (09022015). Collection method: clinical testing. Allele origin: germline.
Comment: This sequence change creates a premature translational stop signal (p.Pro425Leufs*36) in the LZTR1 gene. It is expected to result in an absent or disrupted protein product. Loss-of-function variants in LZTR1 are known to be pathogenic (PMID: 24362817, 25335493, 25480913, 25795793, 29469822, 30368668, 30442762, 30442766, 30481304, 30859559). This variant is not present in population databases (gnomAD no frequency). This variant has not been reported in the literature in individuals affected with LZTR1-related conditions. For these reasons, this variant has been classified as Pathogenic.

Literature cited by the submitters: PubMed 24362817; PubMed 25335493; PubMed 25480913; PubMed 25795793; PubMed 29469822; PubMed 30368668; PubMed 30442762; PubMed 30442766; PubMed 30481304; PubMed 30859559.

NM_006767.4(LZTR1):c.1274del (p.Pro425fs)

Gene: LZTR1 (leucine zipper like post translational regulator 1; plus strand). Cytogenetic location: 22q11.21.
Variant type: Deletion.
Coding change: c.1274del on transcript NM_006767.4 (MANE Select); coding-DNA position 1274, one base deleted (C; older notation c.1274delC).
Protein change: p.Pro425fs; shifts the reading frame from proline 425.
Molecular consequence: frameshift variant.
Genome position (GRCh38, 1-based): chr22:20,993,675, C deleted; the last of 3 consecutive C bases (chr22:20,993,673-20,993,675); deleting any one gives the same sequence. VCF-style (leftmost placement, unchanged base first): chr22-20993672-AC-A. GRCh37 (hg19) VCF-style: chr22-21347961-AC-A.
Other names: short protein forms P425fs.
Identifiers: ClinVar variation 3626421 (VCV003626421.2).